The following is an entry in ClinVar:

ClinVar aggregate classification (germline): Conflicting classifications of pathogenicity. Review status: criteria provided, conflicting classifications (1 of 4 stars). 2 submissions from 2 submitters: Uncertain significance (1); Likely benign (1). Last evaluated 2024-12-30.

Conditions:
Autoimmune lymphoproliferative syndrome type 2A (ALPS2A). Also called: CASP10-Related Autoimmune Lymphoproliferative Syndrome; AUTOIMMUNE LYMPHOPROLIFERATIVE SYNDROME, TYPE IIA; Autoimmune lymphoproliferative syndrome type 2. Identifiers: Orphanet 3261, MedGen C1858968, MONDO:0011383, OMIM 603909.

Allele frequency attached by ClinVar (database versions not stated): ExAC 0.00001; gnomAD 0.00001; gnomAD exomes 0.00001 and 0.00002; TOPMed 0.00001.
gnomAD v4.1: 10 of 1,613,980 alleles (0.00062%); highest among the groups gnomAD compares: Admixed American, 0.005%; no homozygotes.

Submissions (2):

Labcorp Genetics (formerly Invitae), Labcorp
Classification: Uncertain significance for Autoimmune lymphoproliferative syndrome type 2A. Last evaluated: 2024-12-30. Review status: criteria provided, single submitter. Criteria: Invitae Variant Classification Sherloc (09022015). Collection method: clinical testing. Allele origin: germline.
Comment: This sequence change replaces aspartic acid, which is acidic and polar, with asparagine, which is neutral and polar, at codon 485 of the CASP10 protein (p.Asp485Asn). This variant is present in population databases (rs758187673, gnomAD 0.009%). This variant has not been reported in the literature in individuals affected with CASP10-related conditions. ClinVar contains an entry for this variant (Variation ID: 1008364). Invitae Evidence Modeling of protein sequence and biophysical properties (such as structural, functional, and spatial information, amino acid conservation, physicochemical variation, residue mobility, and thermodynamic stability) indicates that this missense variant is not expected to disrupt CASP10 protein function with a negative predictive value of 80%. In summary, the available evidence is currently insufficient to determine the role of this variant in disease. Therefore, it has been classified as a Variant of Uncertain Significance.

Ambry Genetics
Classification: Likely benign. Last evaluated: 2023-08-21. Review status: criteria provided, single submitter. Criteria: Ambry Variant Classification Scheme 2023. Collection method: clinical testing. Allele origin: germline.

NM_032977.4(CASP10):c.1453G>A (p.Asp485Asn)

Gene: CASP10 (caspase 10; plus strand). Cytogenetic location: 2q33.1.
Variant type: single nucleotide variant.
Coding change: c.1453G>A on transcript NM_032977.4 (MANE Select); coding-DNA position 1453, G replaced by A.
Protein change: p.Asp485Asn; replaces aspartic acid 485 with asparagine.
Molecular consequence: missense variant. On other transcripts: 3 prime UTR variant (1), intron variant (2).
Genome position (GRCh38, 1-based): chr2:201,217,625, G>A. VCF-style: chr2-201217625-G-A. GRCh37 (hg19) VCF-style: chr2-202082348-G-A.
Other names: c.1453G>A (NM_032977.3); c.1252G>A, p.Asp418Asn (NM_001206524.2); c.1324G>A, p.Asp442Asn (NM_001230.5); c.*539G>A (NM_032976.4); c.1415+8063G>A (NM_032974.5); c.1286+8063G>A (NM_001206542.2); short protein forms D418N, D442N, D485N.
Identifiers: ClinVar variation 1008364 (VCV001008364.50), dbSNP rs758187673, ClinGen allele CA2053276.